The following is an entry in ClinVar:

ClinVar aggregate classification (germline): Uncertain significance. Review status: criteria provided, multiple submitters, no conflicts (2 of 4 stars). 2 submissions from 2 submitters: Uncertain significance (2). Last evaluated 2022-07-10.

Conditions:
Inborn genetic diseases. Identifiers: MedGen C0950123, MeSH D030342.

Allele frequency attached by ClinVar (database versions not stated): gnomAD exomes 0.00001; gnomAD 0.00004; TOPMed 0.00005.
gnomAD v4.1: 9 of 1,613,760 alleles (0.00056%); highest among the groups gnomAD compares: Admixed American, 0.012%; no homozygotes.

Submissions (2):

Labcorp Genetics (formerly Invitae), Labcorp
Classification: Uncertain significance. Last evaluated: 2022-07-10. Review status: criteria provided, single submitter. Criteria: Invitae Variant Classification Sherloc (09022015). Collection method: clinical testing. Allele origin: germline.
Comment: This sequence change replaces methionine, which is neutral and non-polar, with valine, which is neutral and non-polar, at codon 436 of the NECTIN4 protein (p.Met436Val). This variant is present in population databases (no rsID available, gnomAD 0.003%). This variant has not been reported in the literature in individuals affected with NECTIN4-related conditions. Algorithms developed to predict the effect of missense changes on protein structure and function are either unavailable or do not agree on the potential impact of this missense change (SIFT: "Deleterious"; PolyPhen-2: "Benign"; Align-GVGD: "Class C15"). Algorithms developed to predict the effect of sequence changes on RNA splicing suggest that this variant may disrupt the consensus splice site. In summary, the available evidence is currently insufficient to determine the role of this variant in disease. Therefore, it has been classified as a Variant of Uncertain Significance.

Ambry Genetics
Classification: Uncertain significance for Inborn genetic diseases. Last evaluated: 2021-08-04. Review status: criteria provided, single submitter. Criteria: Ambry Variant Classification Scheme 2023. Collection method: clinical testing. Allele origin: germline.

NM_030916.3(NECTIN4):c.1306A>G (p.Met436Val)

Gene: NECTIN4 (nectin cell adhesion molecule 4; minus strand). Cytogenetic location: 1q23.3.
Variant type: single nucleotide variant.
Coding change: c.1306A>G on transcript NM_030916.3 (MANE Select); coding-DNA position 1306, A replaced by G.
Protein change: p.Met436Val; replaces methionine 436 with valine.
Molecular consequence: missense variant.
Genome position (GRCh38, 1-based): chr1:161,073,227, T>C on the plus strand (A>G on the coding strand, the complement: NECTIN4 is on the minus strand). VCF-style: chr1-161073227-T-C. GRCh37 (hg19) VCF-style: chr1-161043017-T-C.
Other names: short protein forms M436V.
Identifiers: ClinVar variation 1903224 (VCV001903224.5), dbSNP rs1264667496, ClinGen allele CA343347824.